The following is an entry in ClinVar:

NM_000154.2(GALK1):c.6del (p.Ala3fs)

Gene: GALK1 (galactokinase 1; minus strand). Cytogenetic location: 17q25.1.
Variant type: Deletion.
Coding change: c.6del on transcript NM_000154.2 (MANE Select); coding-DNA position 6, one base deleted (T; older notation c.6delT).
Protein change: p.Ala3fs; shifts the reading frame from alanine 3.
Molecular consequence: frameshift variant.
Genome position (GRCh38, 1-based): chr17:75,765,131, A deleted on the plus strand (T on the coding strand, the reverse complement: GALK1 is on the minus strand). VCF-style (leftmost placement, unchanged base first): chr17-75765130-CA-C. GRCh37 (hg19) VCF-style: chr17-73761211-CA-C.
Other names: c.6del, p.Ala3fs (NM_001381985.1); short protein forms A3fs.
Identifiers: ClinVar variation 1451771 (VCV001451771.6), dbSNP rs2143608720, ClinGen allele CA2573154913.
Genomic context (GRCh38, chr17:75,765,130, plus strand): 5'-CCTCCCGGAAGGCTCGCCGGGCCTCGGCCAGCAGCTCCGCGACCTGGGGCTGTCTCAAAG[CA>C]GCCATGACGCGCGCCTGCAGCTCTGCACAGCTGCTCCGGCACAGCCCCGTCGGCGCGGGA-3'

ClinVar aggregate classification (germline): Pathogenic (1 of 4 stars; one submission).

Conditions:
Deficiency of galactokinase. Also called: GALACTOSEMIA II; Galactokinase deficiency with cataracts. Identifiers: Orphanet 352, Orphanet 79237, MedGen C0268155, MONDO:0009255, OMIM 230200.

Submission:

Labcorp Genetics (formerly Invitae), Labcorp
Classification: Pathogenic for Deficiency of galactokinase. Last evaluated: 2021-04-05. Review status: criteria provided, single submitter. Criteria: Invitae Variant Classification Sherloc (09022015). Collection method: clinical testing. Allele origin: germline.
Comment: For these reasons, this variant has been classified as Pathogenic. This variant has not been reported in the literature in individuals with GALK1-related conditions. The frequency data for this variant in the population databases is considered unreliable, as metrics indicate insufficient coverage at this position in the ExAC database. This sequence change creates a premature translational stop signal (p.Ala3Leufs*2) in the GALK1 gene. It is expected to result in an absent or disrupted protein product. Loss-of-function variants in GALK1 are known to be pathogenic (PMID: 7670469, 10790206).

Literature cited by the submitters: PubMed 7670469; PubMed 10790206.